The following is an entry in ClinVar:

ClinVar aggregate classification (germline): Pathogenic/Likely pathogenic. Review status: criteria provided, multiple submitters, no conflicts (2 of 4 stars). 2 submissions from 2 submitters: Pathogenic (1); Likely pathogenic (1). Last evaluated 2023-12-14.

Conditions:
Neurodevelopmental disorder with coarse facies and mild distal skeletal abnormalities. Also called: STOLERMAN NEURODEVELOPMENTAL SYNDROME. Identifiers: MedGen C5193134, MONDO:0032790, OMIM 618505.

gnomAD v4.1: 1 of 1,614,110 alleles (0.000062%); no homozygotes.

Submissions (2):

Labcorp Genetics (formerly Invitae), Labcorp
Classification: Pathogenic. Last evaluated: 2023-12-14. Review status: criteria provided, single submitter. Criteria: Invitae Variant Classification Sherloc (09022015). Collection method: clinical testing. Allele origin: germline.
Comment: This sequence change creates a premature translational stop signal (p.Arg199*) in the KDM6B gene. It is expected to result in an absent or disrupted protein product. Loss-of-function variants in KDM6B are known to be pathogenic (PMID: 31124279). This variant is not present in population databases (gnomAD no frequency). This variant has not been reported in the literature in individuals affected with KDM6B-related conditions. ClinVar contains an entry for this variant (Variation ID: 1709281). For these reasons, this variant has been classified as Pathogenic.

MGZ Medical Genetics Center
Classification: Likely pathogenic for Neurodevelopmental disorder with coarse facies and mild distal skeletal abnormalities. Last evaluated: 2022-07-14. Review status: criteria provided, single submitter. Criteria: ACMG Guidelines, 2015. Collection method: clinical testing. Allele origin: germline. Affected: yes. Observed: 1 variant allele.
Comment: ACMG criteria applied: PS2, PVS1_MOD, PM2_SUP

Literature cited by the submitters: PubMed 31124279 (cited by Labcorp Genetics (formerly Invitae), Labcorp).

NM_001348716.2(KDM6B):c.595C>T (p.Arg199Ter)

Gene: KDM6B (lysine demethylase 6B; plus strand). Cytogenetic location: 17p13.1.
Variant type: single nucleotide variant.
Coding change: c.595C>T on transcript NM_001348716.2 (MANE Select); coding-DNA position 595, C replaced by T.
Protein change: p.Arg199Ter; replaces arginine 199 with a stop codon.
Molecular consequence: nonsense.
Genome position (GRCh38, 1-based): chr17:7,846,624, C>T. VCF-style: chr17-7846624-C-T. GRCh37 (hg19) VCF-style: chr17-7749942-C-T.
Other names: c.595C>T, p.Arg199Ter (NM_001080424.2); short protein forms R199*.
Identifiers: ClinVar variation 1709281 (VCV001709281.5), dbSNP rs761981660, ClinGen allele CA397913173.
Genomic context (GRCh38, chr17:7,846,624, plus strand): 5'-TCTTTTTGTTCTCAGCACAAACGGAACTATGGAGCCAAGCGGGGAGGTCCCCCGGTGAAG[C>T]GAGCTGCTGAACCCCCAGTGGTGCAGCCTGTGCCTCCTGCAGCACTCTCAGGCCCCTCAG-3'